The following is an entry in ClinVar:

ClinVar aggregate classification (germline): Uncertain significance (1 of 4 stars; one submission).

Allele frequency attached by ClinVar (database versions not stated): ExAC 0.00001; gnomAD 0.00001; gnomAD exomes 0.00002.
gnomAD v4.1: 23 of 1,574,478 alleles (0.0015%); highest among the groups gnomAD compares: Non-Finnish European, 0.0018%; no homozygotes.

Submission:

Labcorp Genetics (formerly Invitae), Labcorp
Classification: Uncertain significance. Last evaluated: 2024-08-08. Review status: criteria provided, single submitter. Criteria: Invitae Variant Classification Sherloc (09022015). Collection method: clinical testing. Allele origin: germline.
Comment: This sequence change replaces proline, which is neutral and non-polar, with leucine, which is neutral and non-polar, at codon 1079 of the CACNA1E protein (p.Pro1079Leu). This variant is present in population databases (rs745794317, gnomAD 0.004%). This variant has not been reported in the literature in individuals affected with CACNA1E-related conditions. ClinVar contains an entry for this variant (Variation ID: 1924599). Advanced modeling of protein sequence and biophysical properties (such as structural, functional, and spatial information, amino acid conservation, physicochemical variation, residue mobility, and thermodynamic stability) performed at Invitae indicates that this missense variant is not expected to disrupt CACNA1E protein function with a negative predictive value of 95%. In summary, the available evidence is currently insufficient to determine the role of this variant in disease. Therefore, it has been classified as a Variant of Uncertain Significance.

NM_001205293.3(CACNA1E):c.3236C>T (p.Pro1079Leu)

Gene: CACNA1E (calcium voltage-gated channel subunit alpha1 E; plus strand). Cytogenetic location: 1q25.3.
Variant type: single nucleotide variant.
Coding change: c.3236C>T on transcript NM_001205293.3 (MANE Select); coding-DNA position 3236, C replaced by T.
Protein change: p.Pro1079Leu; replaces proline 1079 with leucine.
Molecular consequence: missense variant.
Genome position (GRCh38, 1-based): chr1:181,733,724, C>T. VCF-style: chr1-181733724-C-T. GRCh37 (hg19) VCF-style: chr1-181702860-C-T.
Other names: c.3236C>T, p.Pro1079Leu (NM_000721.4); c.3179C>T, p.Pro1060Leu (NM_001205294.2); short protein forms P1060L, P1079L.
Identifiers: ClinVar variation 1924599 (VCV001924599.5), dbSNP rs745794317, ClinGen allele CA1275515.